The following is an entry in ClinVar:

ClinVar aggregate classification (germline): Uncertain significance (1 of 4 stars; one submission).

Submission:

Ambry Genetics
Classification: Uncertain significance. Last evaluated: 2024-10-15. Review status: criteria provided, single submitter. Criteria: Ambry Variant Classification Scheme 2023. Collection method: clinical testing. Allele origin: germline.
Comment: The p.D216E variant (also known as c.648C>G), located in coding exon 1 of the TERF2IP gene, results from a C to G substitution at nucleotide position 648. The aspartic acid at codon 216 is replaced by glutamic acid, an amino acid with highly similar properties. This amino acid position is conserved. In addition, this alteration is predicted to be tolerated by in silico analysis. Based on the available evidence, the clinical significance of this variant remains unclear.

NM_018975.4(TERF2IP):c.648C>G (p.Asp216Glu)

Gene: TERF2IP (TERF2 interacting protein; plus strand). Cytogenetic location: 16q23.1.
Variant type: single nucleotide variant.
Coding change: c.648C>G on transcript NM_018975.4 (MANE Select); coding-DNA position 648, C replaced by G.
Protein change: p.Asp216Glu; replaces aspartic acid 216 with glutamic acid.
Molecular consequence: missense variant. On other transcripts: non-coding transcript variant (1).
Genome position (GRCh38, 1-based): chr16:75,648,530, C>G. VCF-style: chr16-75648530-C-G. GRCh37 (hg19) VCF-style: chr16-75682428-C-G.
Other names: short protein forms D216E.
Identifiers: ClinVar variation 3455127 (VCV003455127.1).